The following is an entry in ClinVar:

ClinVar aggregate classification (germline): Likely pathogenic (1 of 4 stars; one submission).

Conditions:
Corneal dystrophy-perceptive deafness syndrome (CDPD). Also called: CORNEAL DYSTROPHY AND SENSORINEURAL DEAFNESS; HARBOYAN SYNDROME. Identifiers: Orphanet 1490, MedGen C1857572, MONDO:0009015, OMIM 217400.

Submission:

Women's Health and Genetics/Laboratory Corporation of America, LabCorp
Classification: Likely pathogenic for Corneal dystrophy-perceptive deafness syndrome. Last evaluated: 2025-01-24. Review status: criteria provided, single submitter. Criteria: LabCorp Variant Classification Summary - May 2015. Collection method: clinical testing. Allele origin: germline.
Comment: Variant summary: SLC4A11 c.1253G>A (p.Gly418Asp) results in a non-conservative amino acid change located in the Bicarbonate transporter-like, transmembrane domain (IPR011531) of the encoded protein sequence. Three of three in-silico tools predict a damaging effect of the variant on protein function. The variant was absent in 247818 control chromosomes. c.1253G>A has been reported in the literature in the homozygous state in two individuals affected with autosomal recessive congenital hereditary endothelial dystrophy (e.g. Sultana_2007, Aldahmesh_2009). These data indicate that the variant is likely to be associated with disease. Publications report experimental evidence evaluating an impact on protein function (e.g. Roy_2015, Alka_Hum Mut_2018, Alka_IOVS_2018). The most pronounced variant effect results in 10%-<30% of cell surface localization compared to WT, indicative of an intracellular retention defect. The following publications have been ascertained in the context of this evaluation (PMID: 19369245, 29327391, 30140924, 25811729, 17679935). No submitters have cited clinical-significance assessments for this variant to ClinVar. Based on the evidence outlined above, the variant was classified as likely pathogenic.

Literature cited by the submitters: PubMed 29327391; PubMed 30140924; PubMed 25811729; PubMed 17679935; PubMed 19369245.

NM_001174089.2(SLC4A11):c.1205G>A (p.Gly402Asp)

Gene: SLC4A11 (solute carrier family 4 member 11; minus strand). Cytogenetic location: 20p13.
Variant type: single nucleotide variant.
Coding change: c.1205G>A on transcript NM_001174089.2 (MANE Select); coding-DNA position 1205, G replaced by A.
Protein change: p.Gly402Asp; replaces glycine 402 with aspartic acid.
Molecular consequence: missense variant. On other transcripts: non-coding transcript variant (3), intron variant (2).
Genome position (GRCh38, 1-based): chr20:3,230,809, C>T on the plus strand (G>A on the coding strand, the complement: SLC4A11 is on the minus strand). VCF-style: chr20-3230809-C-T. GRCh37 (hg19) VCF-style: chr20-3211455-C-T.
Other names: c.1334G>A, p.Gly445Asp (NM_001174090.2); c.1148G>A, p.Gly383Asp (NM_001400277.1, NM_001400278.1, NM_001400279.1); c.1253G>A, p.Gly418Asp (NM_032034.4); c.1168+124G>A (NM_001363745.2); c.1297+124G>A (NM_001400280.1); short protein forms G383D, G402D, G418D, G445D.
Identifiers: ClinVar variation 3769439 (VCV003769439.2).